The following is an entry in ClinVar:

NM_003119.4(SPG7):c.836G>A (p.Gly279Glu)

Gene: SPG7 (SPG7 matrix AAA peptidase subunit, paraplegin; plus strand). Cytogenetic location: 16q24.3.
Variant type: single nucleotide variant.
Coding change: c.836G>A on transcript NM_003119.4 (MANE Select); coding-DNA position 836, G replaced by A.
Protein change: p.Gly279Glu; replaces glycine 279 with glutamic acid.
Molecular consequence: missense variant.
Genome position (GRCh38, 1-based): chr16:89,529,554, G>A. VCF-style: chr16-89529554-G-A. GRCh37 (hg19) VCF-style: chr16-89595962-G-A.
Other names: c.836G>A, p.Gly279Glu (NM_001363850.1, NM_199367.3); short protein forms G279E.
Identifiers: ClinVar variation 4173572 (VCV004173572.2).

ClinVar aggregate classification (germline): Uncertain significance. Review status: criteria provided, multiple submitters, no conflicts (2 of 4 stars). 2 submissions from 2 submitters: Uncertain significance (2). Last evaluated 2025-08-04.

Conditions:
Hereditary spastic paraplegia 7 (SPG7). Also called: Spastic paraplegia 7; Hereditary spastic paraplegia Paraplegin type; Autosomal recessive spastic paraplegia type 7; SPASTIC PARAPLEGIA 7, AUTOSOMAL RECESSIVE, WITH OR WITHOUT CEREBELLAR ATAXIA; SPG7-related neurologic disorder. Identifiers: Orphanet 99013, MedGen C1846564, MONDO:0011803, OMIM 607259.
Inborn genetic diseases. Identifiers: MedGen C0950123, MeSH D030342.

gnomAD v4.1: 66 of 1,613,796 alleles (0.0041%); highest among the groups gnomAD compares: Non-Finnish European, 0.0055%; no homozygotes.

Submissions (2):

Ambry Genetics
Classification: Uncertain significance for Inborn genetic diseases. Last evaluated: 2025-08-04. Review status: criteria provided, single submitter. Criteria: Ambry Variant Classification Scheme 2023. Collection method: clinical testing. Allele origin: germline.

Labcorp Genetics (formerly Invitae), Labcorp
Classification: Uncertain significance for Hereditary spastic paraplegia 7. Last evaluated: 2025-06-07. Review status: criteria provided, single submitter. Criteria: Invitae Variant Classification Sherloc (09022015). Collection method: clinical testing. Allele origin: germline.
Comment: This sequence change replaces glycine, which is neutral and non-polar, with glutamic acid, which is acidic and polar, at codon 279 of the SPG7 protein (p.Gly279Glu). This variant is present in population databases (rs760353440, gnomAD 0.003%). This variant has not been reported in the literature in individuals affected with SPG7-related conditions. Invitae Evidence Modeling of protein sequence and biophysical properties (such as structural, functional, and spatial information, amino acid conservation, physicochemical variation, residue mobility, and thermodynamic stability) indicates that this missense variant is not expected to disrupt SPG7 protein function with a negative predictive value of 80%. In summary, the available evidence is currently insufficient to determine the role of this variant in disease. Therefore, it has been classified as a Variant of Uncertain Significance.